The following is an entry in ClinVar:

ClinVar aggregate classification (germline): Uncertain significance (1 of 4 stars; one submission).

Conditions:
Hyperphosphatasia with intellectual disability syndrome 5 (GPIBD11). Also called: GLYCOSYLPHOSPHATIDYLINOSITOL BIOSYNTHESIS DEFECT 11. Identifiers: Orphanet 247262, MedGen C4014958, MONDO:0014457, OMIM 616025.

Submission:

Labcorp Genetics (formerly Invitae), Labcorp
Classification: Uncertain significance for Hyperphosphatasia with intellectual disability syndrome 5. Last evaluated: 2025-08-04. Review status: criteria provided, single submitter. Criteria: Invitae Variant Classification Sherloc (09022015). Collection method: clinical testing. Allele origin: germline.
Comment: This sequence change replaces serine, which is neutral and polar, with proline, which is neutral and non-polar, at codon 416 of the PIGW protein (p.Ser416Pro). This variant is not present in population databases (gnomAD no frequency). This variant has not been reported in the literature in individuals affected with PIGW-related conditions. ClinVar contains an entry for this variant (Variation ID: 2087570). An algorithm developed to predict the effect of missense changes on protein structure and function outputs the following: PolyPhen-2: "Benign". The proline amino acid residue is found in multiple mammalian species, which suggests that this missense change does not adversely affect protein function. In summary, the available evidence is currently insufficient to determine the role of this variant in disease. Therefore, it has been classified as a Variant of Uncertain Significance.

NM_001346754.2(PIGW):c.1246T>C (p.Ser416Pro)

Genes: MYO19 (myosin XIX; minus strand), PIGW (phosphatidylinositol glycan anchor biosynthesis class W; plus strand). Cytogenetic location: 17q12.
Variant type: single nucleotide variant.
Coding change: c.1246T>C on transcript NM_001346754.2 (MANE Select); coding-DNA position 1246, T replaced by C.
Protein change: p.Ser416Pro; replaces serine 416 with proline.
Molecular consequence: missense variant.
Genome position (GRCh38, 1-based): chr17:36,538,347, T>C. VCF-style: chr17-36538347-T-C. GRCh37 (hg19) VCF-style: chr17-34894196-T-C.
Other names: c.1246T>C, p.Ser416Pro (NM_001346755.2, NM_178517.5); short protein forms S416P.
Identifiers: ClinVar variation 2087570 (VCV002087570.4), dbSNP rs2074171977, ClinGen allele CA399164561.